The following is an entry in ClinVar:

NM_001267550.2(TTN):c.105939G>T (p.Arg35313Ser)

Genes: TTN-AS1 (TTN antisense RNA 1; plus strand), TTN (titin; minus strand), LOC129935183 (ATAC-STARR-seq lymphoblastoid active region 16808; plus strand). Cytogenetic location: 2q31.2.
Variant type: single nucleotide variant.
Coding change: c.105939G>T on transcript NM_001267550.2 (MANE Select); coding-DNA position 105939, G replaced by T.
Protein change: p.Arg35313Ser; replaces arginine 35313 with serine.
Molecular consequence: missense variant.
Genome position (GRCh38, 1-based): chr2:178,530,676, C>A on the plus strand (G>T on the coding strand, the complement: TTN is on the minus strand). VCF-style: chr2-178530676-C-A. GRCh37 (hg19) VCF-style: chr2-179395403-C-A.
Other names: c.101016G>T, p.Arg33672Ser (NM_001256850.1); c.78744G>T, p.Arg26248Ser (NM_003319.4); c.98235G>T, p.Arg32745Ser (NM_133378.4); c.79119G>T, p.Arg26373Ser (NM_133432.3); c.79320G>T, p.Arg26440Ser (NM_133437.4); short protein forms R26248S, R26440S, R33672S, R26373S, R32745S, R35313S.
Identifiers: ClinVar variation 1446848 (VCV001446848.3), dbSNP rs1688720188, ClinGen allele CA349407396.

ClinVar aggregate classification (germline): Uncertain significance (1 of 4 stars; one submission).

Conditions:
Dilated cardiomyopathy 1G (CMD1G). Identifiers: Orphanet 154, MedGen C1858763, MONDO:0011400, OMIM 604145.
Autosomal recessive limb-girdle muscular dystrophy type 2J (LGMDR10). Also called: MUSCULAR DYSTROPHY, LIMB-GIRDLE, AUTOSOMAL RECESSIVE 10; Limb-girdle muscular dystrophy, type 2J. Identifiers: Orphanet 140922, MedGen C1837342, MONDO:0012127, OMIM 608807.

gnomAD v4.1: 1 of 1,613,916 alleles (0.000062%); highest among the groups gnomAD compares: Non-Finnish European, 0.000085%; no homozygotes.

Submission:

Labcorp Genetics (formerly Invitae), Labcorp
Classification: Uncertain significance for Dilated cardiomyopathy 1G; Autosomal recessive limb-girdle muscular dystrophy type 2J. Last evaluated: 2022-07-06. Review status: criteria provided, single submitter. Criteria: Invitae Variant Classification Sherloc (09022015). Collection method: clinical testing. Allele origin: germline.
Comment: This sequence change replaces arginine, which is basic and polar, with serine, which is neutral and polar, at codon 35313 of the TTN protein (p.Arg35313Ser). This variant is not present in population databases (gnomAD no frequency). This variant has not been reported in the literature in individuals affected with TTN-related conditions. ClinVar contains an entry for this variant (Variation ID: 1446848). Algorithms developed to predict the effect of missense changes on protein structure and function output the following: SIFT: "Not Available"; PolyPhen-2: "Not Available"; Align-GVGD: "Not Available". The serine amino acid residue is found in multiple mammalian species, which suggests that this missense change does not adversely affect protein function. This variant is located in the M band of TTN (PMID: 25589632). Variants in this region may be relevant for neuromuscular disorders, but have not been definitively shown to cause cardiomyopathy (PMID: 23975875). In summary, the available evidence is currently insufficient to determine the role of this variant in disease. Therefore, it has been classified as a Variant of Uncertain Significance.

Literature cited by the submitters: PubMed 25589632; PubMed 23975875.